The following is an entry in ClinVar:

NM_000463.3(UGT1A1):c.996+23C>G

Genes: UGT1A (UDP glucuronosyltransferase family 1 member A complex locus; plus strand), UGT1A1 (UDP glucuronosyltransferase family 1 member A1; plus strand), UGT1A10 (UDP glucuronosyltransferase family 1 member A10; plus strand), UGT1A3 (UDP glucuronosyltransferase family 1 member A3; plus strand), UGT1A4 (UDP glucuronosyltransferase family 1 member A4; plus strand) and 5 more. Cytogenetic location: 2q37.1.
Variant type: single nucleotide variant.
Coding change: c.996+23C>G on transcript NM_000463.3 (MANE Select); 23 bases into the intron after coding-DNA position 996, C replaced by G.
Molecular consequence: intron variant.
Genome position (GRCh38, 1-based): chr2:233,767,188, C>G. VCF-style: chr2-233767188-C-G. GRCh37 (hg19) VCF-style: chr2-234675834-C-G.
Other names: c.987+23C>G (NM_019076.5, NM_019075.4, NM_021027.3 and 1 more transcripts); c.192+23C>G (NM_205862.3); c.993+23C>G (NM_001072.4); c.999+23C>G (NM_019078.2, NM_007120.3, NM_019093.4).
Identifiers: ClinVar variation 3349632 (VCV003349632.1).
Genomic context (GRCh38, chr2:233,767,188, plus strand): 5'-TGGCAATTGCTGATGCTTTGGGCAAAATCCCTCAGACAGTAAGAAGATTCTATACCATGG[C>G]CTCATATCTATTTTCACAGGAGCGCTAATCCCAGACTTCCAGCTTCCAGATTAATTCTCT-3'

ClinVar aggregate classification (germline): Likely benign (0 of 4 stars; one submission).

Conditions:
UGT1A1-related disorder. Also called: UGT1A1-related disorders; UGT1A1-related condition.

Submission:

PreventionGenetics, part of Exact Sciences
Classification: Likely benign for UGT1A1-related condition. Last evaluated: 2024-03-23. Review status: no assertion criteria provided. Collection method: clinical testing. Allele origin: germline.
Comment: This variant is classified as likely benign based on ACMG/AMP sequence variant interpretation guidelines (Richards et al. 2015 PMID: 25741868, with internal and published modifications).